The following is an entry in ClinVar:

NM_016616.5(NME8):c.1013T>C (p.Ile338Thr)

Gene: NME8 (NME/NM23 family member 8; plus strand). Cytogenetic location: 7p14.1.
Variant type: single nucleotide variant.
Coding change: c.1013T>C on transcript NM_016616.5 (MANE Select); coding-DNA position 1013, T replaced by C.
Protein change: p.Ile338Thr; replaces isoleucine 338 with threonine.
Molecular consequence: missense variant.
Genome position (GRCh38, 1-based): chr7:37,884,321, T>C. VCF-style: chr7-37884321-T-C. GRCh37 (hg19) VCF-style: chr7-37923923-T-C.
Other names: short protein forms I338T.
Identifiers: ClinVar variation 164803 (VCV000164803.21), dbSNP rs62001870, ClinGen allele CA177508.

ClinVar aggregate classification (germline): Benign/Likely benign. Review status: criteria provided, multiple submitters, no conflicts (2 of 4 stars). 6 submissions from 6 submitters: Benign (5); Likely benign (1). Last evaluated 2026-02-01.

Conditions:
Primary ciliary dyskinesia. Also called: Ciliary dyskinesia. Identifiers: Orphanet 244, MedGen C0008780, MONDO:0016575, HP:0012265.
Primary ciliary dyskinesia 6. Also called: Primary Ciliary Dyskinesia 6: TXNDC3-Related Primary Ciliary Dyskinesia. Identifiers: Orphanet 244, MedGen C1970506, MONDO:0012571, OMIM 610852.

Allele frequency attached by ClinVar (database versions not stated): 1000 Genomes Project 0.01897; 1000 Genomes Project 30x 0.01983; TOPMed 0.03335; gnomAD 0.03618 and 0.03629; ESP Exome Variant Server 0.03792; ExAC 0.03963; gnomAD exomes 0.04001 and 0.05095.
gnomAD v4.1: 78,365 of 1,588,014 alleles (4.9%); highest among the groups gnomAD compares: Middle Eastern, 7%; 2,212 homozygotes.

Submissions (6):

Labcorp Genetics (formerly Invitae), Labcorp
Classification: Benign for Primary ciliary dyskinesia 6. Last evaluated: 2026-02-01. Review status: criteria provided, single submitter. Criteria: Invitae Variant Classification Sherloc (09022015). Collection method: clinical testing. Allele origin: germline.

Blueprint Genetics
Classification: Likely benign. Last evaluated: 2024-11-26. Review status: criteria provided, single submitter. Criteria: ACMG Guidelines, 2015. Collection method: clinical testing. Allele origin: germline.

GeneDx
Classification: Benign. Last evaluated: 2021-05-04. Review status: criteria provided, single submitter. Criteria: GeneDx Variant Classification Process June 2021. Collection method: clinical testing. Allele origin: germline. Affected: yes.

Ambry Genetics
Classification: Benign for Primary ciliary dyskinesia. Last evaluated: 2014-09-12. Review status: criteria provided, single submitter. Criteria: Ambry Variant Classification Scheme 2023. Collection method: clinical testing. Allele origin: germline.

Laboratory for Molecular Medicine, Mass General Brigham Personalized Medicine
Classification: Benign. Last evaluated: 2013-02-21. Review status: criteria provided, single submitter. Criteria: LMM Criteria. Collection method: clinical testing. Allele origin: germline. Observed: 7 variant alleles.
Comment: Ile338Thr in exon 13 of TXNDC3: This variant is not expected to have clinical si gnificance because it has been identified in 5.3% (454/8594) of European America n chromosomes from a broad population by the NHLBI Exome Sequencing Project (dbSNP rs62001870).

PreventionGenetics, part of Exact Sciences
Classification: Benign. Review status: criteria provided, single submitter. Criteria: ACMG Guidelines, 2015. Collection method: clinical testing. Allele origin: germline.